The following is an entry in ClinVar:

ClinVar aggregate classification (germline): Benign/Likely benign. Review status: criteria provided, multiple submitters, no conflicts (2 of 4 stars). 3 submissions from 3 submitters: Benign (1); Likely benign (1). 1 of the submissions does not count toward it. Last evaluated 2025-01-13.

Conditions:
TP63-related disorder. Also called: TP63-related condition; TP63-Related Disorders. Identifiers: MedGen CN380159.
TP63-Related Spectrum Disorders.

Allele frequency attached by ClinVar (database versions not stated): gnomAD 0.00007 and 0.00008; ESP Exome Variant Server 0.00008; TOPMed 0.00013; gnomAD exomes 0.00031; ExAC 0.00032.
gnomAD v4.1: 134 of 1,613,804 alleles (0.0083%); highest among the groups gnomAD compares: Admixed American, 0.12%; no homozygotes.

Submissions (3):

Labcorp Genetics (formerly Invitae), Labcorp
Classification: Likely benign. Last evaluated: 2025-01-13. Review status: criteria provided, single submitter. Criteria: Invitae Variant Classification Sherloc (09022015). Collection method: clinical testing. Allele origin: germline.

GeneDx
Classification: Benign. Last evaluated: 2020-08-19. Review status: criteria provided, single submitter. Criteria: GeneDx Variant Classification Process June 2021. Collection method: clinical testing. Allele origin: germline. Affected: yes.

PreventionGenetics, part of Exact Sciences
Classification: Likely benign for TP63-related condition. Last evaluated: 2023-03-03. Review status: no assertion criteria provided. Collection method: clinical testing. Allele origin: germline. Not counted in ClinVar's aggregate classification.
Comment: This variant is classified as likely benign based on ACMG/AMP sequence variant interpretation guidelines (Richards et al. 2015 PMID: 25741868, with internal and published modifications).

NM_003722.5(TP63):c.1127G>A (p.Arg376His)

Gene: TP63 (tumor protein p63; plus strand). Cytogenetic location: 3q28.
Variant type: single nucleotide variant.
Coding change: c.1127G>A on transcript NM_003722.5 (MANE Select); coding-DNA position 1127, G replaced by A.
Protein change: p.Arg376His; replaces arginine 376 with histidine.
Molecular consequence: missense variant. On other transcripts: intron variant (3).
Genome position (GRCh38, 1-based): chr3:189,868,714, G>A. VCF-style: chr3-189868714-G-A. GRCh37 (hg19) VCF-style: chr3-189586503-G-A.
Other names: c.1127G>A, p.Arg376His (NM_001114978.2, NM_001114979.2, NM_001329144.2); c.845G>A, p.Arg282His (NM_001114980.2, NM_001114981.2, NM_001114982.2 and 1 more transcripts); c.590G>A, p.Arg197His (NM_001329146.2); c.1121G>A, p.Arg374His (NM_001329964.2); c.1117+10G>A (NM_001329148.2); c.835+10G>A (NM_001329149.2); c.580+10G>A (NM_001329150.2); short protein forms R197H, R282H, R374H, R376H.
Identifiers: ClinVar variation 1294557 (VCV001294557.10), dbSNP rs143591434, ClinGen allele CA2752347.